The following is an entry in ClinVar:

NM_000059.4(BRCA2):c.517-8_517-7delinsAT

Gene: BRCA2 (BRCA2 DNA repair associated; plus strand). Cytogenetic location: 13q13.1.
Variant type: Indel.
Coding change: c.517-8_517-7delinsAT on transcript NM_000059.4 (MANE Select); 8 bases into the intron before coding-DNA position 517 through 7 bases into the intron before coding-DNA position 517, CC replaced by AT.
Molecular consequence: intron variant.
Genome position (GRCh38, 1-based): chr13:32,326,491-32,326,492, CC replaced by AT. VCF-style: chr13-32326491-CC-AT. GRCh37 (hg19) VCF-style: chr13-32900628-CC-AT.
Identifiers: ClinVar variation 1046165 (VCV001046165.11), dbSNP rs2072348629, ClinGen allele CA2082751573.

ClinVar aggregate classification (germline): Uncertain significance (1 of 4 stars; one submission).

Conditions:
Hereditary breast ovarian cancer syndrome. Also called: Hereditary breast and/or ovarian cancer syndrome; Hereditary breast and ovarian cancer syndrome; Hereditary breast and ovarian cancer syndrome (HBOC); Breast and ovarian cancer; Hereditary breast and ovarian cancer; BRCA1- and BRCA2-Associated Hereditary Breast and Ovarian Cancer. Identifiers: Orphanet 145, MedGen C0677776, MeSH D061325, MONDO:0003582. Disease mechanism: loss of function.

Submission:

Labcorp Genetics (formerly Invitae), Labcorp
Classification: Uncertain significance for Hereditary breast ovarian cancer syndrome. Last evaluated: 2025-05-12. Review status: criteria provided, single submitter. Criteria: Invitae Variant Classification Sherloc (09022015). Collection method: clinical testing. Allele origin: germline.
Comment: This sequence change falls in intron 6 of the BRCA2 gene. It does not directly change the encoded amino acid sequence of the BRCA2 protein. Information on the frequency of this variant in the gnomAD database is not available, as this variant may be reported differently in the database. This variant has not been reported in the literature in individuals affected with BRCA2-related conditions. ClinVar contains an entry for this variant (Variation ID: 1046165). In summary, the available evidence is currently insufficient to determine the role of this variant in disease. Therefore, it has been classified as a Variant of Uncertain Significance.